The following is an entry in ClinVar:

NM_001009611.4(PRAMEF4):c.1289G>C (p.Trp430Ser)

Gene: PRAMEF4 (PRAME family member 4; minus strand). Cytogenetic location: 1p36.21.
Variant type: single nucleotide variant.
Coding change: c.1289G>C on transcript NM_001009611.4 (MANE Select); coding-DNA position 1289, G replaced by C.
Protein change: p.Trp430Ser; replaces tryptophan 430 with serine.
Molecular consequence: missense variant.
Genome position (GRCh38, 1-based): chr1:12,879,692, C>G on the plus strand (G>C on the coding strand, the complement: PRAMEF4 is on the minus strand). VCF-style: chr1-12879692-C-G. GRCh37 (hg19) VCF-style: chr1-12939513-C-G.
Other names: c.1289G>C (NM_001009611.2); short protein forms W430S.
Identifiers: ClinVar variation 2638272 (VCV002638272.25), dbSNP rs138413231, ClinGen allele CA18145662.

ClinVar aggregate classification (germline): Conflicting classifications of pathogenicity. Review status: criteria provided, conflicting classifications (1 of 4 stars). 2 submissions from 2 submitters: Uncertain significance (1); Likely benign (1). Last evaluated 2025-02-07.

Allele frequency attached by ClinVar (database versions not stated): ESP Exome Variant Server 0.00012; 1000 Genomes Project 30x 0.00016.
gnomAD v4.1: 57 of 1,601,998 alleles (0.0036%); highest among the groups gnomAD compares: African/African-American, 0.074%; 5 homozygotes.

Submissions (2):

Ambry Genetics
Classification: Uncertain significance. Last evaluated: 2025-02-07. Review status: criteria provided, single submitter. Criteria: Ambry Variant Classification Scheme 2023. Collection method: clinical testing. Allele origin: germline.

CeGaT Center for Human Genetics Tuebingen
Classification: Likely benign. Last evaluated: 2022-12-01. Review status: criteria provided, single submitter. Criteria: CeGaT Center For Human Genetics Tuebingen Variant Classification Criteria Version 2. Collection method: clinical testing. Allele origin: germline. Affected: yes. Observed: 1 variant allele.
Comment: PRAMEF4: BS2